The following is an entry in ClinVar:

ClinVar aggregate classification (germline): Benign (1 of 4 stars; one submission).

Allele frequency attached by ClinVar (database versions not stated): 1000 Genomes Project 30x 0.00500; 1000 Genomes Project 0.00559; TOPMed 0.00837; ESP Exome Variant Server 0.00900; gnomAD 0.01027; ExAC 0.01144.
gnomAD v4.1: 20,552 of 1,613,432 alleles (1.3%); highest among the groups gnomAD compares: Non-Finnish European, 1.4%; 166 homozygotes.

Submission:

CeGaT Center for Human Genetics Tuebingen
Classification: Benign. Last evaluated: 2026-09-01. Review status: criteria provided, single submitter. Criteria: CeGaT Center For Human Genetics Tuebingen Variant Classification Criteria Version 2. Collection method: clinical testing. Allele origin: germline. Affected: yes. Observed: 10 variant alleles.
Comment: ERAP1: BP4, BP7, BS1, BS2

NM_001040458.3(ERAP1):c.2496T>C (p.Phe832=)

Genes: ERAP1 (endoplasmic reticulum aminopeptidase 1; minus strand), LOC126807458 (CDK7 strongly-dependent group 2 enhancer GRCh37_chr5:96116076-96117275; plus strand). Cytogenetic location: 5q15.
Variant type: single nucleotide variant.
Coding change: c.2496T>C on transcript NM_001040458.3 (MANE Select); coding-DNA position 2496, T replaced by C.
Protein change: p.Phe832=; no amino-acid change (phenylalanine 832 retained).
Molecular consequence: synonymous variant.
Genome position (GRCh38, 1-based): chr5:96,781,150, A>G on the plus strand (T>C on the coding strand, the complement: ERAP1 is on the minus strand). VCF-style: chr5-96781150-A-G. GRCh37 (hg19) VCF-style: chr5-96116854-A-G.
Other names: c.2496T>C, p.Phe832= (NM_001198541.3, NM_001349244.2, NM_016442.5).
Identifiers: ClinVar variation 2655597 (VCV002655597.24), dbSNP rs80088786, ClinGen allele CA3351910.